The following is an entry in ClinVar:

NM_006206.6(PDGFRA):c.1700_1701inv (p.Pro567Leu)

Gene: PDGFRA (platelet derived growth factor receptor alpha; plus strand). Cytogenetic location: 4q12.
Variant type: Inversion.
Coding change: c.1700_1701inv on transcript NM_006206.6 (MANE Select).
Protein change: p.Pro567Leu; replaces proline 567 with leucine.
Molecular consequence: missense variant.
Genome position: GRCh38 VCF-style: chr4-54274887-CA-TG. GRCh37 (hg19) VCF-style: chr4-55141054-CA-TG.
Other names: c.1700_1701inv, p.Pro567Leu (NM_001347827.2, NM_001347829.2); c.1775_1776inv, p.Pro592Leu (NM_001347828.2); c.1739_1740inv, p.Pro580Leu (NM_001347830.2); c.1700_1701delCAinsTG (NM_006206.4); short protein forms P567L, P580L, P592L.
Identifiers: ClinVar variation 459018 (VCV000459018.22), ClinGen allele CA161399.

ClinVar aggregate classification (germline): Uncertain significance. Review status: criteria provided, multiple submitters, no conflicts (2 of 4 stars). 4 submissions from 4 submitters: Uncertain significance (3). 1 of the submissions does not count toward it. Last evaluated 2026-01-06.

Conditions:
Hereditary cancer-predisposing syndrome. Also called: Neoplastic Syndromes, Hereditary; Hereditary Cancer Syndrome; Hereditary neoplastic syndrome; Tumor predisposition. Identifiers: Orphanet 140162, MedGen C0027672, MeSH D009386, MONDO:0015356.
Gastrointestinal stromal tumor. Also called: Gastrointestinal stromal tumor, somatic; Gastrointestinal stroma tumor. Identifiers: Orphanet 44890, MedGen C0238198, MeSH D046152, MONDO:0011719, OMIM 606764, HP:0100723.

Submissions (4):

Labcorp Genetics (formerly Invitae), Labcorp
Classification: Uncertain significance for Gastrointestinal stromal tumor. Last evaluated: 2026-01-06. Review status: criteria provided, single submitter. Criteria: Invitae Variant Classification Sherloc (09022015). Collection method: clinical testing. Allele origin: germline.
Comment: This sequence change replaces proline, which is neutral and non-polar, with leucine, which is neutral and non-polar, at codon 567 of the PDGFRA protein (p.Pro567Leu). The frequency data for this variant in the population databases is considered unreliable, as metrics indicate poor data quality at this position in the gnomAD database. This variant has not been reported in the literature in individuals affected with PDGFRA-related conditions. ClinVar contains an entry for this variant (Variation ID: 459018). An algorithm developed to predict the effect of missense changes on protein structure and function (PolyPhen-2) suggests that this variant is likely to be disruptive. In summary, the available evidence is currently insufficient to determine the role of this variant in disease. Therefore, it has been classified as a Variant of Uncertain Significance.

Ambry Genetics
Classification: Uncertain significance for Hereditary cancer-predisposing syndrome. Last evaluated: 2024-11-13. Review status: criteria provided, single submitter. Criteria: Ambry Variant Classification Scheme 2023. Collection method: clinical testing. Allele origin: germline.
Comment: The c.1700_1701delCAinsTG variant (also known as p.P567L), located in coding exon 11 of the PDGFRA gene, results from an in-frame deletion of CA and insertion of TG at nucleotide positions 1700 to 1701. This results in the substitution of the proline residue for a leucine residue at codon 567, an amino acid with similar properties. This amino acid position is well conserved in available vertebrate species. In addition, this alteration is predicted to be neutral by in silico analysis (Choi Y et al. PLoS ONE. 2012; 7(10):e46688). Since supporting evidence is limited at this time, the clinical significance of this alteration remains unclear.

Blueprint Genetics
Classification: Uncertain significance. Last evaluated: 2023-04-04. Review status: criteria provided, single submitter. Criteria: ACMG Guidelines, 2015. Collection method: clinical testing. Allele origin: germline.

ITMI
No classification provided. Condition: AllHighlyPenetrant. Last evaluated: 2013-09-19. Review status: no classification provided. Collection method: reference population. Allele origin: germline. Not counted in ClinVar's aggregate classification.
Comment: Please see associated publication for description of ethnicities

Literature cited by the submitters: PubMed 24728327 (cited by ITMI).